The following is an entry in ClinVar:

NM_000264.5(PTCH1):c.2044C>G (p.Arg682Gly)

Genes: PTCH1 (patched 1; minus strand), LOC100507346 (uncharacterized LOC100507346; plus strand). Cytogenetic location: 9q22.32.
Variant type: single nucleotide variant.
Coding change: c.2044C>G on transcript NM_000264.5 (MANE Select); coding-DNA position 2044, C replaced by G.
Protein change: p.Arg682Gly; replaces arginine 682 with glycine.
Molecular consequence: missense variant. On other transcripts: non-coding transcript variant (2).
Genome position (GRCh38, 1-based): chr9:95,468,957, G>C on the plus strand (C>G on the coding strand, the complement: PTCH1 is on the minus strand). VCF-style: chr9-95468957-G-C. GRCh37 (hg19) VCF-style: chr9-98231239-G-C.
Other names: c.1846C>G, p.Arg616Gly (NM_001083602.3); c.2041C>G, p.Arg681Gly (NM_001083603.3); c.1591C>G, p.Arg531Gly (NM_001083604.3, NM_001083605.3, NM_001083606.3 and 1 more transcripts); c.1888C>G, p.Arg630Gly (NM_001354918.2); short protein forms R531G, R616G, R630G, R681G, R682G.
Identifiers: ClinVar variation 1016310 (VCV001016310.9), dbSNP rs570441437, ClinGen allele CA374115773.

ClinVar aggregate classification (germline): Uncertain significance (1 of 4 stars; one submission).

Conditions:
Gorlin syndrome. Also called: Nevoid Basal Cell Carcinoma Syndrome; Basal cell nevus syndrome. Identifiers: Orphanet 377, MedGen C0004779, MONDO:0007187.

Submission:

Labcorp Genetics (formerly Invitae), Labcorp
Classification: Uncertain significance for Gorlin syndrome. Last evaluated: 2018-04-10. Review status: criteria provided, single submitter. Criteria: Invitae Variant Classification Sherloc (09022015). Collection method: clinical testing. Allele origin: germline.
Comment: In summary, the available evidence is currently insufficient to determine the role of this variant in disease. Therefore, it has been classified as a Variant of Uncertain Significance. Algorithms developed to predict the effect of missense changes on protein structure and function (SIFT, PolyPhen-2, Align-GVGD) all suggest that this variant is likely to be tolerated, but these predictions have not been confirmed by published functional studies and their clinical significance is uncertain. This variant has not been reported in the literature in individuals with PTCH1-related disease. This variant is not present in population databases (ExAC no frequency). This sequence change replaces arginine with glycine at codon 682 of the PTCH1 protein (p.Arg682Gly). The arginine residue is weakly conserved and there is a moderate physicochemical difference between arginine and glycine.